The following is an entry in ClinVar:

NM_014467.3(SRPX2):c.460C>G (p.His154Asp)

Gene: SRPX2 (sushi repeat containing protein X-linked 2; plus strand). Cytogenetic location: Xq22.1.
Variant type: single nucleotide variant.
Coding change: c.460C>G on transcript NM_014467.3 (MANE Select); coding-DNA position 460, C replaced by G.
Protein change: p.His154Asp; replaces histidine 154 with aspartic acid.
Molecular consequence: missense variant.
Genome position (GRCh38, 1-based): chrX:100,664,878, C>G. VCF-style: chrX-100664878-C-G. GRCh37 (hg19) VCF-style: chrX-99919875-C-G.
Other names: p.H154D:CAC>GAC; short protein forms H154D.
Identifiers: ClinVar variation 139323 (VCV000139323.21), dbSNP rs73636611, ClinGen allele CA209687.

ClinVar aggregate classification (germline): Conflicting classifications of pathogenicity. Review status: criteria provided, conflicting classifications (1 of 4 stars). 6 submissions from 6 submitters: Uncertain significance (1); Benign (2); Likely benign (3). Last evaluated 2025-11-04.

Conditions:
Rolandic epilepsy, impaired intellectual development, and speech dyspraxia, X-linked. Also called: Rolandic epilepsy, intellectual disability, and speech dyspraxia, X-linked; Rolandic epilepsy, impaired intellectual development, and speech dyspraxia. Identifiers: MedGen C1845070, MONDO:0010388, OMIM 300643.

Allele frequency attached by ClinVar (database versions not stated): gnomAD exomes 0.00027 and 0.00075; gnomAD 0.00278 and 0.00298; TOPMed 0.00317; 1000 Genomes Project 0.00344; 1000 Genomes Project 30x 0.00375; ESP Exome Variant Server 0.00417.
gnomAD v4.1: 627 of 1,209,271 alleles (0.052%); highest among the groups gnomAD compares: African/African-American, 0.96%; 5 homozygotes.

Submissions (6):

Labcorp Genetics (formerly Invitae), Labcorp
Classification: Benign for Rolandic epilepsy, impaired intellectual development, and speech dyspraxia, X-linked. Last evaluated: 2025-11-04. Review status: criteria provided, single submitter. Criteria: Invitae Variant Classification Sherloc (09022015). Collection method: clinical testing. Allele origin: germline.

Blueprint Genetics
Classification: Likely benign. Last evaluated: 2024-10-16. Review status: criteria provided, single submitter. Criteria: ACMG Guidelines, 2015. Collection method: clinical testing. Allele origin: germline.

Center for Pediatric Genomic Medicine, Children's Mercy Hospital and Clinics
Classification: Likely benign. Last evaluated: 2016-09-02. Review status: criteria provided, single submitter. Criteria: ACMG Guidelines, 2015. Collection method: clinical testing. Allele origin: germline.
ClinVar note: Converted during submission from Likely Benign to Likely benign.

Genetic Services Laboratory, University of Chicago
Classification: Uncertain significance. Last evaluated: 2014-10-08. Review status: criteria provided, single submitter. Criteria: ACMG Guidelines, 2015. Collection method: clinical testing. Allele origin: germline.

Ambry Genetics
Classification: Likely benign. Last evaluated: 2014-07-08. Review status: criteria provided, single submitter. Criteria: Ambry Variant Classification Scheme 2023. Collection method: clinical testing. Allele origin: germline.

GeneDx
Classification: Benign. Last evaluated: 2013-02-20. Review status: criteria provided, single submitter. Criteria: GeneDx Variant Classification (06012015). Collection method: clinical testing. Allele origin: germline. Affected: yes.
Comment: This variant is considered likely benign or benign based on one or more of the following criteria: it is a conservative change, it occurs at a poorly conserved position in the protein, it is predicted to be benign by multiple in silico algorithms, and/or has population frequency not consistent with disease.